The following is an entry in ClinVar:

NM_014000.3(VCL):c.1555A>C (p.Ile519Leu)

Gene: VCL (vinculin; plus strand). Cytogenetic location: 10q22.2.
Variant type: single nucleotide variant.
Coding change: c.1555A>C on transcript NM_014000.3 (MANE Select); coding-DNA position 1555, A replaced by C.
Protein change: p.Ile519Leu; replaces isoleucine 519 with leucine.
Molecular consequence: missense variant.
Genome position (GRCh38, 1-based): chr10:74,095,667, A>C. VCF-style: chr10-74095667-A-C. GRCh37 (hg19) VCF-style: chr10-75855425-A-C.
Other names: p.I519L:ATC>CTC; c.1555A>C, p.Ile519Leu (NM_003373.4); short protein forms I519L.
Identifiers: ClinVar variation 45582 (VCV000045582.67), dbSNP rs141033098, ClinGen allele CA136703.
Genomic context (GRCh38, chr10:74,095,667, plus strand): 5'-ATTGTCTCCTCTGGGTCTTGTAAGTTTCATTGTTTTTCTCTTGGTCCAGGTCAGGCTGCC[A>C]TCCGGGGGCTTGTGGCCGAAGGGCATCGTCTGGCTAATGTTATGATGGGGCCTTATCGGC-3'
Protein context (NP_054706.1, residues 509-529): VDDRGVGQAA[Ile519Leu]RGLVAEGHRL

ClinVar aggregate classification (germline): Conflicting classifications of pathogenicity. Review status: criteria provided, conflicting classifications (1 of 4 stars). 18 submissions from 18 submitters: Uncertain significance (2); Benign (3); Likely benign (9). 4 of the submissions do not count toward it. Last evaluated 2026-02-03.

Conditions:
Cardiovascular phenotype. Identifiers: MedGen CN230736.
Cardiomyopathy (CMYO). Also called: Cardiomyopathies. Identifiers: Orphanet 167848, MedGen C0878544, MONDO:0004994, HP:0001638. Inheritance: Various modes of inheritance.
Dilated cardiomyopathy 1W (CMD1W). Identifiers: Orphanet 154, MedGen C1969639, MONDO:0012667, OMIM 611407.
Ventricular tachycardia. Identifiers: MedGen C0042514, MONDO:0005477, HP:0004756.

Allele frequency attached by ClinVar (database versions not stated): 1000 Genomes Project 30x 0.00016; 1000 Genomes Project 0.00020; gnomAD 0.00063 and 0.00064; TOPMed 0.00070; ExAC 0.00072; gnomAD exomes 0.00072; ESP Exome Variant Server 0.00115.
gnomAD v4.1: 1,793 of 1,614,012 alleles (0.11%); highest among the groups gnomAD compares: Non-Finnish European, 0.14%; 2 homozygotes.

Submissions (18):

Labcorp Genetics (formerly Invitae), Labcorp
Classification: Likely benign for Dilated cardiomyopathy 1W. Last evaluated: 2026-02-03. Review status: criteria provided, single submitter. Criteria: Invitae Variant Classification Sherloc (09022015). Collection method: clinical testing. Allele origin: germline.

Mayo Clinic Laboratories, Mayo Clinic
Classification: Likely benign. Last evaluated: 2025-07-18. Review status: criteria provided, single submitter. Criteria: ACMG Guidelines, 2015. Collection method: clinical testing. Allele origin: germline. Observed: 2 variant alleles.
Comment: BS1

CeGaT Center for Human Genetics Tuebingen
Classification: Likely benign. Last evaluated: 2025-06-01. Review status: criteria provided, single submitter. Criteria: CeGaT Center For Human Genetics Tuebingen Variant Classification Criteria Version 2. Collection method: clinical testing. Allele origin: germline. Affected: yes. Observed: 2 variant alleles.
Comment: VCL: BS1

Molecular Diagnostic Laboratory for Inherited Cardiovascular Disease, Montreal Heart Institute
Classification: Likely benign. Last evaluated: 2025-04-08. Review status: criteria provided, single submitter. Criteria: ACMG Guidelines, 2015. Collection method: clinical testing. Allele origin: germline. Affected: no.

Blueprint Genetics
Classification: Likely benign. Last evaluated: 2024-11-25. Review status: criteria provided, single submitter. Criteria: ACMG Guidelines, 2015. Collection method: clinical testing. Allele origin: germline.

GeneDx
Classification: Likely benign. Last evaluated: 2021-07-23. Review status: criteria provided, single submitter. Criteria: GeneDx Variant Classification Process June 2021. Collection method: clinical testing. Allele origin: germline. Affected: yes.
Comment: This variant is associated with the following publications: (PMID: 26191084, 23396983)

CHEO Genetics Diagnostic Laboratory, Children's Hospital of Eastern Ontario
Classification: Benign for Cardiomyopathy. Last evaluated: 2020-02-19. Review status: criteria provided, single submitter. Criteria: ACMG Guidelines, 2015. Collection method: clinical testing. Allele origin: germline.

Women's Health and Genetics/Laboratory Corporation of America, LabCorp
Classification: Benign. Last evaluated: 2019-11-05. Review status: criteria provided, single submitter. Criteria: LabCorp Variant Classification Summary - May 2015. Collection method: clinical testing. Allele origin: germline.
Comment: Variant summary: VCL c.1555A>C (p.Ile519Leu) results in a conservative amino acid change in the encoded protein sequence. Three of five in-silico tools predict a damaging effect of the variant on protein function. The variant allele was found at a frequency of 0.00073 in 253200 control chromosomes, predominantly at a frequency of 0.0012 within the Non-Finnish European subpopulation in the gnomAD database. The observed variant frequency within Non-Finnish European control individuals in the gnomAD database is approximately 48 fold of the estimated maximal expected allele frequency for a pathogenic variant in VCL causing Cardiomyopathy phenotype (2.5e-05), strongly suggesting that the variant is a benign polymorphism found primarily in populations of Non-Finnish European origin. The variant has been reported in the literature, without strong evidence for causality (Lopes_2013, Pugh_2014), and in one case was reported to co-occur with a truncating DSC2 variant and an in-frame deletion in MYBPC3 (Lopes_2013). To our knowledge, no experimental evidence demonstrating an impact on protein function has been reported. Seven other ClinVar submitters (evaluation after 2014) cite the variant as benign/likely benign (n=5) or uncertain significance (n=2). Based on the evidence outlined above, the variant was classified as benign.

Center for Advanced Laboratory Medicine, UC San Diego Health, University of California San Diego
Classification: Likely benign for Ventricular tachycardia. Last evaluated: 2019-05-14. Review status: criteria provided, single submitter. Criteria: ACMG Guidelines, 2015. Collection method: clinical testing. Allele origin: germline. Affected: yes. Observed: 1 variant allele.

Ambry Genetics
Classification: Likely benign for Cardiovascular phenotype. Last evaluated: 2018-11-08. Review status: criteria provided, single submitter. Criteria: Ambry Variant Classification Scheme 2023. Collection method: clinical testing. Allele origin: germline.

Laboratory for Molecular Medicine, Mass General Brigham Personalized Medicine
Classification: Benign. Last evaluated: 2018-04-06. Review status: criteria provided, single submitter. Criteria: LMM Criteria. Collection method: clinical testing. Allele origin: germline. Observed: 4 variant alleles.
Comment: The p.Ile519Leu variant in VCL is classified as benign because it has been ident ified in 0.1% (151/126708) of European chromosomes by the Genome Aggreagation Da tabase (gnomAD; dbSNP rs141033098). ACMG/AMP Criteria applied: BA1.

Illumina Laboratory Services, Illumina
Classification: Uncertain significance for Dilated cardiomyopathy 1W. Last evaluated: 2017-04-27. Review status: criteria provided, single submitter. Criteria: ICSL Variant Classification Criteria 13 December 2019. Collection method: clinical testing. Allele origin: germline.
Comment: This variant was observed as part of a predisposition screen in an ostensibly healthy population. A literature search was performed for the gene, cDNA change, and amino acid change (where applicable). Publications were found based on this search. However, the evidence from the literature, in combination with allele frequency data from public databases where available, was not sufficient to rule this variant in or out of causing disease. Therefore, this variant is classified as a variant of unknown significance.

Eurofins Ntd Llc (ga)
Classification: Uncertain significance. Last evaluated: 2017-04-14. Review status: criteria provided, single submitter. Criteria: EGL Classification Definitions 2015. Collection method: clinical testing. Allele origin: germline. Observed: 1 variant allele, 1 heterozygote.

Biesecker Lab/Clinical Genomics Section, National Institutes of Health
Classification: Likely benign. Last evaluated: 2013-06-24. Review status: criteria provided, single submitter. Criteria: Ng et al. (Circ Cardiovasc Genet. 2013). Collection method: research. Allele origin: unknown. Observed: 5 variant alleles. Study: ClinSeq.
Comment: The study set was not selected for affection status in relation to any cancer. Pathogenicity categories were based on literature curation. See Pubmed ID:23861362 for details.

Medical sequencing

Clinical Genetics, Academic Medical Center
Classification: Likely benign. Review status: no assertion criteria provided. Collection method: clinical testing. Allele origin: germline. Affected: yes. Study: VKGL Data-share Consensus. Not counted in ClinVar's aggregate classification.

Diagnostic Laboratory, Department of Genetics, University Medical Center Groningen
Classification: Likely benign. Review status: no assertion criteria provided. Collection method: clinical testing. Allele origin: germline. Affected: yes. Study: VKGL Data-share Consensus. Not counted in ClinVar's aggregate classification.

Genome Diagnostics Laboratory, University Medical Center Utrecht
Classification: Likely benign. Review status: no assertion criteria provided. Collection method: clinical testing. Allele origin: germline. Affected: yes. Study: VKGL Data-share Consensus. Not counted in ClinVar's aggregate classification.

Joint Genome Diagnostic Labs from Nijmegen and Maastricht, Radboudumc and MUMC+
Classification: Likely benign. Review status: no assertion criteria provided. Collection method: clinical testing. Allele origin: germline. Affected: yes. Study: VKGL Data-share Consensus. Not counted in ClinVar's aggregate classification.

Literature cited by the submitters: PubMed 23396983 (cited by 3 submitters); PubMed 23861362 (cited by Women's Health and Genetics/Laboratory Corporation of America, LabCorp); PubMed 24503780 (cited by Women's Health and Genetics/Laboratory Corporation of America, LabCorp); PubMed 26191084 (cited by Women's Health and Genetics/Laboratory Corporation of America, LabCorp and Illumina Laboratory Services, Illumina); PubMed 17785437 (cited by Laboratory for Molecular Medicine, Mass General Brigham Personalized Medicine).